The following is an entry in ClinVar:

ClinVar aggregate classification (germline): Likely benign (0 of 4 stars; one submission).

Conditions:
SEMA3F-related disorder. Also called: SEMA3F-related condition.

Allele frequency attached by ClinVar (database versions not stated): gnomAD 0.00001; TOPMed 0.00003; gnomAD exomes 0.00004; ExAC 0.00007.
gnomAD v4.1: 56 of 1,612,950 alleles (0.0035%); highest among the groups gnomAD compares: South Asian, 0.015%; no homozygotes.

Submission:

PreventionGenetics, part of Exact Sciences
Classification: Likely benign for SEMA3F-related condition. Last evaluated: 2022-10-04. Review status: no assertion criteria provided. Collection method: clinical testing. Allele origin: germline.
Comment: This variant is classified as likely benign based on ACMG/AMP sequence variant interpretation guidelines (Richards et al. 2015 PMID: 25741868, with internal and published modifications).

NM_004186.5(SEMA3F):c.879C>T (p.Tyr293=)

Gene: SEMA3F (semaphorin 3F; plus strand). Cytogenetic location: 3p21.31.
Variant type: single nucleotide variant.
Coding change: c.879C>T on transcript NM_004186.5 (MANE Select); coding-DNA position 879, C replaced by T.
Protein change: p.Tyr293=; no amino-acid change (tyrosine 293 retained).
Molecular consequence: synonymous variant.
Genome position (GRCh38, 1-based): chr3:50,182,759, C>T. VCF-style: chr3-50182759-C-T. GRCh37 (hg19) VCF-style: chr3-50220192-C-T.
Other names: c.582C>T, p.Tyr194= (NM_001318798.2); c.786C>T, p.Tyr262= (NM_001318800.2).
Identifiers: ClinVar variation 3028961 (VCV003028961.2), dbSNP rs774969605, ClinGen allele CA2411941.